The following is an entry in ClinVar:

ClinVar aggregate classification (germline): Uncertain significance (1 of 4 stars; one submission).

Conditions:
Dilated cardiomyopathy 2B. Identifiers: Orphanet 154, MedGen C3553409, MONDO:0013848, OMIM 614672.

Submission:

Labcorp Genetics (formerly Invitae), Labcorp
Classification: Uncertain significance for Dilated cardiomyopathy 2B. Last evaluated: 2025-10-28. Review status: criteria provided, single submitter. Criteria: Invitae Variant Classification Sherloc (09022015). Collection method: clinical testing. Allele origin: germline.
Comment: This sequence change replaces threonine, which is neutral and polar, with serine, which is neutral and polar, at codon 135 of the GATAD1 protein (p.Thr135Ser). This variant is not present in population databases (gnomAD no frequency). This variant has not been reported in the literature in individuals affected with GATAD1-related conditions. Invitae Evidence Modeling of protein sequence and biophysical properties (such as structural, functional, and spatial information, amino acid conservation, physicochemical variation, residue mobility, and thermodynamic stability) indicates that this missense variant is not expected to disrupt GATAD1 protein function with a negative predictive value of 80%. In summary, the available evidence is currently insufficient to determine the role of this variant in disease. Therefore, it has been classified as a Variant of Uncertain Significance.

NM_021167.5(GATAD1):c.404C>G (p.Thr135Ser)

Gene: GATAD1 (GATA zinc finger domain containing 1; plus strand). Cytogenetic location: 7q21.2.
Variant type: single nucleotide variant.
Coding change: c.404C>G on transcript NM_021167.5 (MANE Select); coding-DNA position 404, C replaced by G.
Protein change: p.Thr135Ser; replaces threonine 135 with serine.
Molecular consequence: missense variant. On other transcripts: non-coding transcript variant (1).
Genome position (GRCh38, 1-based): chr7:92,450,729, C>G. VCF-style: chr7-92450729-C-G. GRCh37 (hg19) VCF-style: chr7-92080043-C-G.
Other names: short protein forms T135S.
Identifiers: ClinVar variation 4740432 (VCV004740432.1).